The following is an entry in ClinVar:

NM_001127222.2(CACNA1A):c.7016G>A (p.Arg2339Gln)

Gene: CACNA1A (calcium voltage-gated channel subunit alpha1 A; minus strand). Cytogenetic location: 19p13.13.
Variant type: single nucleotide variant.
Coding change: c.7016G>A on transcript NM_001127222.2 (MANE Select); coding-DNA position 7016, G replaced by A.
Protein change: p.Arg2339Gln; replaces arginine 2339 with glutamine.
Molecular consequence: missense variant. On other transcripts: 3 prime UTR variant (3).
Genome position (GRCh38, 1-based): chr19:13,207,818, C>T on the plus strand (G>A on the coding strand, the complement: CACNA1A is on the minus strand). VCF-style: chr19-13207818-C-T. GRCh37 (hg19) VCF-style: chr19-13318632-C-T.
Other names: c.*228G>A (NM_000068.4, NM_001127221.2, NM_001174080.2); c.7034G>A, p.Arg2345Gln (NM_023035.3); short protein forms R2339Q, R2345Q.
Identifiers: ClinVar variation 4688728 (VCV004688728.1).

ClinVar aggregate classification (germline): Uncertain significance (1 of 4 stars; one submission).

gnomAD v4.1: 16 of 1,460,064 alleles (0.0011%); highest among the groups gnomAD compares: African/African-American, 0.0015%; no homozygotes.

Submission:

Women's Health and Genetics/Laboratory Corporation of America, LabCorp
Classification: Uncertain significance. Last evaluated: 2025-12-29. Review status: criteria provided, single submitter. Criteria: LabCorp Variant Classification Summary - May 2015. Collection method: clinical testing. Allele origin: germline.
Comment: Variant summary: CACNA1A NM_023035.3 c.7034G>A (p.Arg2345Gln) results in a conservative amino acid change in the encoded protein sequence. Algorithms developed to predict the effect of missense changes on protein structure and function are either unavailable or do not agree on the potential impact of this missense change. This variant, also annotated as NM_001127221.2 c.*228G>A, is located in the untranslated mRNA region downstream of the termination codon. The variant allele was found at a frequency of 1.1e-05 in 1455010 control chromosomes (gnomAD). This frequency is not significantly higher than estimated for disease-causing variants in CACNA1A, allowing no conclusion about variant significance. To our knowledge, this variant has not been reported in association with CACNA1A-related conditions and no experimental evidence demonstrating an impact on protein function has been reported. The following publication has been ascertained in the context of this evaluation (PMID: 40127276). No submitters have cited clinical-significance assessments for this variant to ClinVar. Based on the evidence outlined above, the variant was classified as uncertain significance.

Literature cited by the submitters: PubMed 40127276.